The following is an entry in ClinVar:

ClinVar aggregate classification (germline): Likely pathogenic (1 of 4 stars; one submission).

Conditions:
RCBTB1-related retinopathy. Also called: Retinal dystrophy with or without extraocular anomalies. Identifiers: MedGen C4310680, MONDO:0014955, OMIM 617175.

Submission:

Juno Genomics, Hangzhou Juno Genomics, Inc
Classification: Likely pathogenic for RCBTB1-related retinopathy. Review status: criteria provided, single submitter. Criteria: ACMG Guidelines, 2015. Collection method: clinical testing. Allele origin: germline.
Comment: Null variant in a gene where loss of function (LOF) is a known mechanism of disease.;Absent from controls (or at extremely low frequency if recessive) in Genome Aggregation Database.

NM_018191.4(RCBTB1):c.1276C>T (p.Gln426Ter)

Gene: RCBTB1 (RCC1 and BTB domain containing protein 1; minus strand). Cytogenetic location: 13q14.2.
Variant type: single nucleotide variant.
Coding change: c.1276C>T on transcript NM_018191.4 (MANE Select); coding-DNA position 1276, C replaced by T.
Protein change: p.Gln426Ter; replaces glutamine 426 with a stop codon.
Molecular consequence: nonsense. On other transcripts: non-coding transcript variant (2).
Genome position (GRCh38, 1-based): chr13:49,541,724, G>A on the plus strand (C>T on the coding strand, the complement: RCBTB1 is on the minus strand). VCF-style: chr13-49541724-G-A. GRCh37 (hg19) VCF-style: chr13-50115860-G-A.
Other names: c.1276C>T, p.Gln426Ter (NM_001352500.2, NM_001352501.2, NM_001352502.2 and 2 more transcripts); c.697C>T, p.Gln233Ter (NM_001352506.2); short protein forms Q233*, Q426*.
Identifiers: ClinVar variation 5005260 (VCV005005260.2).
Genomic context (GRCh38, chr13:49,541,724, plus strand): 5'-CTACCACAGTACCTATAGCATCTTCTGGCGGCAGGTCGACTGTGTCTGTGTAGAGGTACT[G>A]GAGAAAGGCACGATACACTGGGTAAGAAAACTGATCGATTTCTATCACTTCCTTCATGTC-3'